The following is an entry in ClinVar:

NM_000138.5(FBN1):c.988+20G>A

Gene: FBN1 (fibrillin 1; minus strand). Cytogenetic location: 15q21.1.
Variant type: single nucleotide variant.
Coding change: c.988+20G>A on transcript NM_000138.5 (MANE Select); 20 bases into the intron after coding-DNA position 988, G replaced by A.
Molecular consequence: intron variant.
Genome position (GRCh38, 1-based): chr15:48,526,110, C>T on the plus strand (G>A on the coding strand, the complement: FBN1 is on the minus strand). VCF-style: chr15-48526110-C-T. GRCh37 (hg19) VCF-style: chr15-48818307-C-T.
Identifiers: ClinVar variation 377857 (VCV000377857.19), dbSNP rs375760654, ClinGen allele CA060491.

ClinVar aggregate classification (germline): Likely benign. Review status: criteria provided, multiple submitters, no conflicts (2 of 4 stars). 5 submissions from 5 submitters: Likely benign (5). Last evaluated 2026-01-25.

Conditions:
Marfan syndrome (MFS). Also called: Marfan syndrome, classic; Marfan syndrome type 1; Marfan's syndrome; MARFAN SYNDROME, TYPE I; FBN1-Related Marfan Syndrome. Identifiers: Orphanet 284963, Orphanet 558, MedGen C0024796, MONDO:0007947, OMIM 154700.
Familial thoracic aortic aneurysm and aortic dissection (TAAD). Also called: Thoracic aortic aneurysms and dissections. Identifiers: Orphanet 91387, MedGen C4707243, MONDO:0019625.

Allele frequency attached by ClinVar (database versions not stated): gnomAD 0.00006; TOPMed 0.00006; ESP Exome Variant Server 0.00015.
gnomAD v4.1: 52 of 1,613,698 alleles (0.0032%); highest among the groups gnomAD compares: African/African-American, 0.004%; no homozygotes.

Submissions (5):

Labcorp Genetics (formerly Invitae), Labcorp
Classification: Likely benign for Marfan syndrome; Familial thoracic aortic aneurysm and aortic dissection. Last evaluated: 2026-01-25. Review status: criteria provided, single submitter. Criteria: Invitae Variant Classification Sherloc (09022015). Collection method: clinical testing. Allele origin: germline.

Blueprint Genetics
Classification: Likely benign. Last evaluated: 2024-08-07. Review status: criteria provided, single submitter. Criteria: ACMG Guidelines, 2015. Collection method: clinical testing. Allele origin: germline.

Women's Health and Genetics/Laboratory Corporation of America, LabCorp
Classification: Likely benign. Last evaluated: 2024-06-04. Review status: criteria provided, single submitter. Criteria: LabCorp Variant Classification Summary - May 2015. Collection method: clinical testing. Allele origin: germline.

ARUP Laboratories, Molecular Genetics and Genomics, ARUP Laboratories
Classification: Likely benign. Last evaluated: 2020-02-12. Review status: criteria provided, single submitter. Criteria: ARUP Molecular Germline Variant Investigation Process. Collection method: clinical testing. Allele origin: germline.

GeneDx
Classification: Likely benign. Last evaluated: 2016-02-23. Review status: criteria provided, single submitter. Criteria: GeneDx Variant Classification (06012015). Collection method: clinical testing. Allele origin: germline. Affected: yes.
Comment: This variant is considered likely benign or benign based on one or more of the following criteria: it is a conservative change, it occurs at a poorly conserved position in the protein, it is predicted to be benign by multiple in silico algorithms, and/or has population frequency not consistent with disease.